The following is an entry in ClinVar:

ClinVar aggregate classification (germline): Uncertain significance (1 of 4 stars; one submission).

Conditions:
Bethlem myopathy 1A. Also called: MYOPATHY, BENIGN CONGENITAL, WITH CONTRACTURES; Bethlem myopathy 1; Bethlem Muscular Dystrophy. Identifiers: Orphanet 610, MedGen CN029274, MONDO:0024530, OMIM 158810.

Submission:

Labcorp Genetics (formerly Invitae), Labcorp
Classification: Uncertain significance for Bethlem myopathy 1A. Last evaluated: 2024-01-30. Review status: criteria provided, single submitter. Criteria: Invitae Variant Classification Sherloc (09022015). Collection method: clinical testing. Allele origin: germline.
Comment: This sequence change replaces glycine, which is neutral and non-polar, with alanine, which is neutral and non-polar, at codon 564 of the COL6A2 protein (p.Gly564Ala). This variant is not present in population databases (gnomAD no frequency). This variant has not been reported in the literature in individuals affected with COL6A2-related conditions. Advanced modeling of protein sequence and biophysical properties (such as structural, functional, and spatial information, amino acid conservation, physicochemical variation, residue mobility, and thermodynamic stability) performed at Invitae indicates that this missense variant is expected to disrupt COL6A2 protein function with a positive predictive value of 80%. This variant disrupts the triple helix domain of COL6A2. Glycine residues within the Gly-Xaa-Yaa repeats of the triple helix domain are required for the structure and stability of fibrillar collagens (PMID: 7695699, 8218237, 19344236). In COL6A2, missense variants at these glycine residues are significantly enriched in individuals with autosomal dominant disease (PMID: 15689448, 24038877) compared to the general population (ExAC). In summary, the available evidence is currently insufficient to determine the role of this variant in disease. Therefore, it has been classified as a Variant of Uncertain Significance.

Literature cited by the submitters: PubMed 7695699; PubMed 8218237; PubMed 19344236; PubMed 15689448; PubMed 24038877.

NM_001849.4(COL6A2):c.1691G>C (p.Gly564Ala)

Gene: COL6A2 (collagen type VI alpha 2 chain; plus strand). Cytogenetic location: 21q22.3.
Variant type: single nucleotide variant.
Coding change: c.1691G>C on transcript NM_001849.4 (MANE Select); coding-DNA position 1691, G replaced by C.
Protein change: p.Gly564Ala; replaces glycine 564 with alanine.
Molecular consequence: missense variant.
Genome position (GRCh38, 1-based): chr21:46,124,670, G>C. VCF-style: chr21-46124670-G-C. GRCh37 (hg19) VCF-style: chr21-47544584-G-C.
Other names: c.1691G>C, p.Gly564Ala (NM_058174.3, NM_058175.3); short protein forms G564A.
Identifiers: ClinVar variation 2915391 (VCV002915391.3), dbSNP rs2517014170, ClinGen allele CA410535888.
Genomic context (GRCh38, chr21:46,124,670, plus strand): 5'-CCTGGGGCCACTGAAGCCCACCTGTTCTTGTTCCTTCTCAGGCGGATCCTGGTCCCCCTG[G>C]TGAGCCAGGCCCTCGGGGGCCAAGAGGAGTCCCAGGACCCGAGGTAGGTTGGTGGCCAGT-3'
Protein context (NP_001840.3, residues 554-574): KGEPADPGPP[Gly564Ala]EPGPRGPRGV